The following is an entry in ClinVar:

NM_001040142.2(SCN2A):c.5819G>T (p.Cys1940Phe)

Gene: SCN2A (sodium voltage-gated channel alpha subunit 2; plus strand). Cytogenetic location: 2q24.3.
Variant type: single nucleotide variant.
Coding change: c.5819G>T on transcript NM_001040142.2 (MANE Select); coding-DNA position 5819, G replaced by T.
Protein change: p.Cys1940Phe; replaces cysteine 1940 with phenylalanine.
Molecular consequence: missense variant.
Genome position (GRCh38, 1-based): chr2:165,389,625, G>T. VCF-style: chr2-165389625-G-T. GRCh37 (hg19) VCF-style: chr2-166246135-G-T.
Other names: p.C1940F:TGT>TTT; c.5819G>T, p.Cys1940Phe (NM_001040143.2, NM_001371246.1, NM_001371247.1 and 1 more transcripts); short protein forms C1940F.
Identifiers: ClinVar variation 207030 (VCV000207030.5), dbSNP rs755792692, ClinGen allele CA318051.

ClinVar aggregate classification (germline): Uncertain significance. Review status: criteria provided, multiple submitters, no conflicts (2 of 4 stars). 2 submissions from 2 submitters: Uncertain significance (2). Last evaluated 2025-10-20.

Conditions:
Seizures, benign familial infantile, 3 (BFIS3). Also called: CONVULSIONS, BENIGN FAMILIAL INFANTILE, 3; Familial neonatal seizures. Identifiers: Orphanet 140927, Orphanet 306, MedGen C1843140, MONDO:0011904, OMIM 607745.
Developmental and epileptic encephalopathy, 11 (DEE11). Also called: Early infantile epileptic encephalopathy 11. Identifiers: Orphanet 1934, MedGen C3150987, MONDO:0013388, OMIM 613721.

Allele frequency attached by ClinVar (database versions not stated): TOPMed 0.00001.
gnomAD v4.1: 7 of 1,613,858 alleles (0.00043%); highest among the groups gnomAD compares: African/African-American, 0.0067%; no homozygotes.

Submissions (2):

Labcorp Genetics (formerly Invitae), Labcorp
Classification: Uncertain significance for Seizures, benign familial infantile, 3; Developmental and epileptic encephalopathy, 11. Last evaluated: 2025-10-20. Review status: criteria provided, single submitter. Criteria: Invitae Variant Classification Sherloc (09022015). Collection method: clinical testing. Allele origin: germline.
Comment: This sequence change replaces cysteine, which is neutral and slightly polar, with phenylalanine, which is neutral and non-polar, at codon 1940 of the SCN2A protein (p.Cys1940Phe). The frequency data for this variant in the population databases is considered unreliable, as metrics indicate poor data quality at this position in the gnomAD database. This variant has not been reported in the literature in individuals affected with SCN2A-related conditions. ClinVar contains an entry for this variant (Variation ID: 207030). Invitae Evidence Modeling of protein sequence and biophysical properties (such as structural, functional, and spatial information, amino acid conservation, physicochemical variation, residue mobility, and thermodynamic stability) indicates that this missense variant is not expected to disrupt SCN2A protein function with a negative predictive value of 95%. In summary, the available evidence is currently insufficient to determine the role of this variant in disease. Therefore, it has been classified as a Variant of Uncertain Significance.

GeneDx
Classification: Uncertain significance. Last evaluated: 2018-02-22. Review status: criteria provided, single submitter. Criteria: GeneDx Variant Classification (06012015). Collection method: clinical testing. Allele origin: germline. Affected: yes.
Comment: p.Cys1940Phe (TGT>TTT): c.5819 G>T in exon 27 of the SCN2A gene (NM_021007.2). The Cys1940Phe missense change has not been published as a mutation, nor has it been reported as a benign polymorphism to our knowledge. It was not observed in approximately 6,500 individuals of European and African American ancestry in the NHLBI Exome Sequencing Project, indicating it is not a common benign variant in these populations. The amino acid substitution is non-conservative as a polar Cysteine residue is replaced by a non-polar Phenylalanine residue and the loss of a Cysteine may affect the formation of disulfide bonds in the SCN2A protein. However, Cys1940Phe alters a position that is not conserved in the C-terminal region of the protein and several in-silico algorithms predict it may be non-pathogenic. Therefore, based on the currently available information, it is unclear whether Cys1940Phe is a disease-causing mutation or a rare benign variant. The variant is found in INFANT-EPI panel(s).